The following is an entry in ClinVar:

NM_004385.5(VCAN):c.2879C>T (p.Thr960Ile)

Gene: VCAN (versican; plus strand). Cytogenetic location: 5q14.3.
Variant type: single nucleotide variant.
Coding change: c.2879C>T on transcript NM_004385.5 (MANE Select); coding-DNA position 2879, C replaced by T.
Protein change: p.Thr960Ile; replaces threonine 960 with isoleucine.
Molecular consequence: missense variant. On other transcripts: intron variant (2).
Genome position (GRCh38, 1-based): chr5:83,521,185, C>T. VCF-style: chr5-83521185-C-T. GRCh37 (hg19) VCF-style: chr5-82817004-C-T.
Other names: c.2879C>T, p.Thr960Ile (NM_001164098.2); c.1042+8789C>T (NM_001164097.2, NM_001126336.3); short protein forms T960I.
Identifiers: ClinVar variation 944596 (VCV000944596.11), dbSNP rs147544404, ClinGen allele CA121792957.
Genomic context (GRCh38, chr5:83,521,185, plus strand): 5'-TTCCCCAATTTGCACACACTTCAGAGGTGGAAGGATTAGCATTTGTTAGTTATAGTAGCA[C>T]CCAAGAGCCTACTACTTATGTAGACTCTTCCCATACCATTCCTCTTTCTGTAATTCCCAA-3'
Protein context (NP_004376.2, residues 950-970): EGLAFVSYSS[Thr960Ile]QEPTTYVDSS

ClinVar aggregate classification (germline): Uncertain significance. Review status: criteria provided, multiple submitters, no conflicts (2 of 4 stars). 3 submissions from 3 submitters: Uncertain significance (3). Last evaluated 2024-03-16.

Conditions:
Inborn genetic diseases. Identifiers: MedGen C0950123, MeSH D030342.

Allele frequency attached by ClinVar (database versions not stated): gnomAD 0.00006; TOPMed 0.00009; ESP Exome Variant Server 0.00015.
gnomAD v4.1: 22 of 1,613,374 alleles (0.0014%); highest among the groups gnomAD compares: African/African-American, 0.023%; no homozygotes.

Submissions (3):

Labcorp Genetics (formerly Invitae), Labcorp
Classification: Uncertain significance. Last evaluated: 2024-03-16. Review status: criteria provided, single submitter. Criteria: Invitae Variant Classification Sherloc (09022015). Collection method: clinical testing. Allele origin: germline.
Comment: This sequence change replaces threonine, which is neutral and polar, with isoleucine, which is neutral and non-polar, at codon 960 of the VCAN protein (p.Thr960Ile). This variant is not present in population databases (gnomAD no frequency). This variant has not been reported in the literature in individuals affected with VCAN-related conditions. ClinVar contains an entry for this variant (Variation ID: 944596). An algorithm developed to predict the effect of missense changes on protein structure and function (PolyPhen-2) suggests that this variant is likely to be disruptive. In summary, the available evidence is currently insufficient to determine the role of this variant in disease. Therefore, it has been classified as a Variant of Uncertain Significance.

Blueprint Genetics
Classification: Uncertain significance. Last evaluated: 2024-03-13. Review status: criteria provided, single submitter. Criteria: ACMG Guidelines, 2015. Collection method: clinical testing. Allele origin: germline.

Ambry Genetics
Classification: Uncertain significance for Inborn genetic diseases. Last evaluated: 2022-04-21. Review status: criteria provided, single submitter. Criteria: Ambry Variant Classification Scheme 2023. Collection method: clinical testing. Allele origin: germline.